The following is an entry in ClinVar:

ClinVar aggregate classification (germline): Pathogenic. Review status: criteria provided, multiple submitters, no conflicts (2 of 4 stars). 2 submissions from 2 submitters: Pathogenic (2). Last evaluated 2026-04-17.

Conditions:
Cardiovascular phenotype. Identifiers: MedGen CN230736.
Ehlers-Danlos syndrome due to tenascin-X deficiency (EDSCLL1). Also called: EDS DUE TO TNX DEFICIENCY; TNXB-Related Classical-Like Ehlers-Danlos Syndrome; TNX DEFICIENCY; Ehlers-Danlos syndrome, classic-like, 1; EHLERS-DANLOS SYNDROME, CLASSIC-LIKE. Identifiers: Orphanet 230839, MedGen C1848029, MONDO:0011670, OMIM 606408.

Allele frequency attached by ClinVar (database versions not stated): gnomAD exomes below 0.00001.

Submissions (2):

Ambry Genetics
Classification: Pathogenic for Cardiovascular phenotype. Last evaluated: 2026-04-17. Review status: criteria provided, single submitter. Criteria: Ambry Variant Classification Scheme 2023. Collection method: clinical testing. Allele origin: germline.
Comment: The c.8510_8511delCT pathogenic mutation, located in coding exon 24 of the TNXB gene, results from a deletion of two nucleotides at nucleotide positions 8510 to 8511, causing a translational frameshift with a predicted alternate stop codon (p.P2837Rfs*19). This variant was reported in individual(s) with features consistent with arterial aneurysm and disease (Norgan Radler C et al. Int J Mol Sci, 2025 Jul;26:). This variant is considered to be rare based on population cohorts in the Genome Aggregation Database (gnomAD). This alteration is expected to result in loss of function by premature protein truncation or nonsense-mediated mRNA decay. As such, this alteration is interpreted as a disease-causing mutation.

Women's Health and Genetics/Laboratory Corporation of America, LabCorp
Classification: Pathogenic for Ehlers-Danlos syndrome due to tenascin-X deficiency. Last evaluated: 2026-04-14. Review status: criteria provided, single submitter. Criteria: LabCorp Variant Classification Summary - May 2015. Collection method: clinical testing. Allele origin: germline.
Comment: Variant summary: TNXB c.8510_8511delCT (p.Pro2837ArgfsX19) results in a premature termination codon, predicted to cause a truncation of the encoded protein or absence of the protein due to nonsense mediated decay, which are commonly known mechanisms for disease. The variant was absent in 245464 control chromosomes. To our knowledge, no occurrence of c.8510_8511delCT in individuals affected with TNXB-related conditions and no experimental evidence demonstrating its impact on protein function have been reported. ClinVar contains an entry for this variant (Variation ID: 1763690). Based on the evidence outlined above, the variant was classified as pathogenic.

Literature cited by the submitters: PubMed 40650310 (cited by Ambry Genetics).

NM_001365276.2(TNXB):c.8516_8517del (p.Pro2839fs)

Gene: TNXB (tenascin XB; minus strand). Cytogenetic location: 6p21.33.
Variant type: Deletion.
Coding change: c.8516_8517del on transcript NM_001365276.2 (MANE Select); coding-DNA positions 8516 to 8517, 2 bases deleted (CT; older notation c.8516_8517delCT).
Protein change: p.Pro2839fs; shifts the reading frame from proline 2839.
Molecular consequence: frameshift variant.
Genome position (GRCh38, 1-based): chr6:32,053,662-32,053,663, AG deleted on the plus strand (CT on the coding strand, the reverse complement: TNXB is on the minus strand). VCF-style (leftmost placement, unchanged base first): chr6-32053661-CAG-C. GRCh37 (hg19) VCF-style: chr6-32021438-CAG-C.
Other names: c.8510_8511del, p.Pro2837fs (NM_019105.8); c.8510_8511delCT (NM_019105.8); short protein forms P2839fs, P2837fs.
Identifiers: ClinVar variation 1763690 (VCV001763690.5), dbSNP rs2483454633, ClinGen allele CA2578574837.